The following is an entry in ClinVar:

NM_001197104.2(KMT2A):c.269C>G (p.Ser90Trp)

Gene: KMT2A (lysine methyltransferase 2A; plus strand). Cytogenetic location: 11q23.3.
Variant type: single nucleotide variant.
Coding change: c.269C>G on transcript NM_001197104.2 (MANE Select); coding-DNA position 269, C replaced by G.
Protein change: p.Ser90Trp; replaces serine 90 with tryptophan.
Molecular consequence: missense variant.
Genome position (GRCh38, 1-based): chr11:118,436,781, C>G. VCF-style: chr11-118436781-C-G. GRCh37 (hg19) VCF-style: chr11-118307496-C-G.
Other names: c.269C>G, p.Ser90Trp (NM_001412597.1, NM_005933.4); short protein forms S90W.
Identifiers: ClinVar variation 2705501 (VCV002705501.2), dbSNP rs1555138708, ClinGen allele CA382797955.

ClinVar aggregate classification (germline): Uncertain significance (1 of 4 stars; one submission).

gnomAD v4.1: 2 of 1,604,904 alleles (0.00012%); highest among the groups gnomAD compares: South Asian, 0.0011%; no homozygotes.

Submission:

Labcorp Genetics (formerly Invitae), Labcorp
Classification: Uncertain significance. Last evaluated: 2024-05-06. Review status: criteria provided, single submitter. Criteria: Invitae Variant Classification Sherloc (09022015). Collection method: clinical testing. Allele origin: germline.
Comment: This sequence change replaces serine, which is neutral and polar, with tryptophan, which is neutral and slightly polar, at codon 90 of the KMT2A protein (p.Ser90Trp). This variant is present in population databases (no rsID available, gnomAD 0.003%). This variant has not been reported in the literature in individuals affected with KMT2A-related conditions. Advanced modeling of protein sequence and biophysical properties (such as structural, functional, and spatial information, amino acid conservation, physicochemical variation, residue mobility, and thermodynamic stability) has been performed at Invitae for this missense variant, however the output from this modeling did not meet the statistical confidence thresholds required to predict the impact of this variant on KMT2A protein function. In summary, the available evidence is currently insufficient to determine the role of this variant in disease. Therefore, it has been classified as a Variant of Uncertain Significance.